The following is an entry in ClinVar:

NM_001267550.2(TTN):c.102937_102940dup (p.Gly34314fs)

Genes: TTN (titin; minus strand), TTN-AS1 (TTN antisense RNA 1; plus strand). Cytogenetic location: 2q31.2.
Variant type: Duplication.
Coding change: c.102937_102940dup on transcript NM_001267550.2 (MANE Select); coding-DNA positions 102937 to 102940, 4 bases duplicated (AAGG; older notation c.102937_102940dupAAGG).
Protein change: p.Gly34314fs; shifts the reading frame from glycine 34314.
Molecular consequence: frameshift variant.
Genome position (GRCh38, 1-based): chr2:178,533,675-178,533,678, CCTT duplicated on the plus strand (AAGG on the coding strand, the reverse complement: TTN is on the minus strand). VCF-style (leftmost placement, unchanged base first): chr2-178533674-C-CCCTT. GRCh37 (hg19) VCF-style: chr2-179398401-C-CCCTT.
Other names: c.98014_98017dup, p.Gly32673fs (NM_001256850.1); c.75742_75745dup, p.Gly25249fs (NM_003319.4); c.95233_95236dup, p.Gly31746fs (NM_133378.4); c.76117_76120dup, p.Gly25374fs (NM_133432.3); c.76318_76321dup, p.Gly25441fs (NM_133437.4); short protein forms G25249fs, G25374fs, G25441fs, G31746fs, G32673fs, G34314fs.
Identifiers: ClinVar variation 1067597 (VCV001067597.9), dbSNP rs2154135311, ClinGen allele CA2499215280.

ClinVar aggregate classification (germline): Likely pathogenic (1 of 4 stars; one submission).

Conditions:
Dilated cardiomyopathy 1G (CMD1G). Identifiers: Orphanet 154, MedGen C1858763, MONDO:0011400, OMIM 604145.
Autosomal recessive limb-girdle muscular dystrophy type 2J (LGMDR10). Also called: Limb-girdle muscular dystrophy, type 2J; MUSCULAR DYSTROPHY, LIMB-GIRDLE, AUTOSOMAL RECESSIVE 10. Identifiers: Orphanet 140922, MedGen C1837342, MONDO:0012127, OMIM 608807.

Submission:

Labcorp Genetics (formerly Invitae), Labcorp
Classification: Likely pathogenic for Dilated cardiomyopathy 1G; Autosomal recessive limb-girdle muscular dystrophy type 2J. Last evaluated: 2023-12-06. Review status: criteria provided, single submitter. Criteria: Invitae Variant Classification Sherloc (09022015). Collection method: clinical testing. Allele origin: germline.
Comment: This sequence change creates a premature translational stop signal (p.Gly34314Glufs*15) in the TTN gene. While this is not anticipated to result in nonsense mediated decay, it is expected to create a truncated TTN protein. This variant is not present in population databases (gnomAD no frequency). This premature translational stop signal has been observed in individual(s) with dilated cardiomyopathy (Invitae). ClinVar contains an entry for this variant (Variation ID: 1067597). This variant is located in the M band of TTN (PMID: 25589632). Truncating variants in this region have been previously reported in individuals affected with autosomal recessive myopathy and muscular dystrophy (PMID: 18948003, 23975875, 24395473). Truncating variants in this region have also been identified in individuals affected with autosomal dominant dilated cardiomyopathy and/or cardio-related conditions (PMID: 27869827, 32964742). In summary, the currently available evidence indicates that the variant is pathogenic, but additional data are needed to prove that conclusively. Therefore, this variant has been classified as Likely Pathogenic.

Literature cited by the submitters: PubMed 25589632; PubMed 18948003; PubMed 23975875; PubMed 24395473; PubMed 27869827; PubMed 32964742.